The following is an entry in ClinVar:

NM_024529.5(CDC73):c.1036C>A (p.Gln346Lys)

Gene: CDC73 (cell division cycle 73; plus strand). Cytogenetic location: 1q31.2.
Variant type: single nucleotide variant.
Coding change: c.1036C>A on transcript NM_024529.5 (MANE Select); coding-DNA position 1036, C replaced by A.
Protein change: p.Gln346Lys; replaces glutamine 346 with lysine.
Molecular consequence: missense variant.
Genome position (GRCh38, 1-based): chr1:193,212,070, C>A. VCF-style: chr1-193212070-C-A. GRCh37 (hg19) VCF-style: chr1-193181200-C-A.
Other names: short protein forms Q346K.
Identifiers: ClinVar variation 3227849 (VCV003227849.1), dbSNP rs2102038060, ClinGen allele CA344077426.

ClinVar aggregate classification (germline): Uncertain significance (1 of 4 stars; one submission).

Conditions:
Hereditary cancer-predisposing syndrome. Also called: Neoplastic Syndromes, Hereditary; Tumor predisposition; Hereditary neoplastic syndrome; Hereditary Cancer Syndrome. Identifiers: Orphanet 140162, MedGen C0027672, MeSH D009386, MONDO:0015356.

Submission:

Ambry Genetics
Classification: Uncertain significance for Hereditary cancer-predisposing syndrome. Last evaluated: 2024-01-17. Review status: criteria provided, single submitter. Criteria: Ambry Variant Classification Scheme 2023. Collection method: clinical testing. Allele origin: germline.
Comment: The p.Q346K variant (also known as c.1036C>A), located in coding exon 12 of the CDC73 gene, results from a C to A substitution at nucleotide position 1036. The glutamine at codon 346 is replaced by lysine, an amino acid with similar properties. This amino acid position is conserved. In addition, this alteration is predicted to be tolerated by in silico analysis. Based on the available evidence, the clinical significance of this alteration remains unclear.